The following is an entry in ClinVar:

NM_005445.4(SMC3):c.2220_2228del (p.Met741_Lys743del)

Gene: SMC3 (structural maintenance of chromosomes 3; plus strand). Cytogenetic location: 10q25.2.
Variant type: Deletion.
Coding change: c.2220_2228del on transcript NM_005445.4 (MANE Select); coding-DNA positions 2220 to 2228, 9 bases deleted (GATGCTAAA; older notation c.2220_2228delGATGCTAAA).
Protein change: p.Met741_Lys743del.
Molecular consequence: inframe deletion. On other transcripts: inframe indel (1).
Genome position (GRCh38, 1-based): chr10:110,598,242-110,598,250, GATGCTAAA deleted; deleting any 9 consecutive bases within chr10:110,598,240-110,598,250 gives the same sequence; the c. name uses the placement nearest the transcript's 3' end. VCF-style (leftmost placement, unchanged base first): chr10-110598239-GAAGATGCTA-G. GRCh37 (hg19) VCF-style: chr10-112357997-GAAGATGCTA-G.
Other names: c.2220_2228delGATGCTAAA, p.Met741_Lys743del (NM_005445.3).
Identifiers: ClinVar variation 4975716 (VCV004975716.1).

ClinVar aggregate classification (germline): Uncertain significance (1 of 4 stars; one submission).

Submission:

GeneDx
Classification: Uncertain significance. Last evaluated: 2026-02-04. Review status: criteria provided, single submitter. Criteria: GeneDx Variant Classification Process June 2021. Collection method: clinical testing. Allele origin: germline.
Comment: Not observed at significant frequency in large population cohorts (gnomAD); In-frame deletion of 4 amino acid(s) in a non-repeat region; In silico analysis supports a deleterious effect on protein structure/function; Has not been previously published as pathogenic or benign to our knowledge